The following is an entry in ClinVar:

NM_001291303.3(FAT4):c.9806C>G (p.Thr3269Ser)

Gene: FAT4 (FAT atypical cadherin 4; plus strand). Cytogenetic location: 4q28.1.
Variant type: single nucleotide variant.
Coding change: c.9806C>G on transcript NM_001291303.3 (MANE Select); coding-DNA position 9806, C replaced by G.
Protein change: p.Thr3269Ser; replaces threonine 3269 with serine.
Molecular consequence: missense variant.
Genome position (GRCh38, 1-based): chr4:125,450,816, C>G. VCF-style: chr4-125450816-C-G. GRCh37 (hg19) VCF-style: chr4-126371971-C-G.
Other names: c.9806C>G, p.Thr3269Ser (NM_001291285.3); c.9800C>G, p.Thr3267Ser (NM_024582.6); short protein forms T3267S, T3269S.
Identifiers: ClinVar variation 1957287 (VCV001957287.2), dbSNP rs1046019210, ClinGen allele CA104881993.
Genomic context (GRCh38, chr4:125,450,816, plus strand): 5'-CAGGAGTCATAACCACTCAAGGCTTCTTGGATTTTGAAACCAAGCAGAGCTACCATCTTA[C>G]TGTGAAAGCCTTCAATGTCCCCGATGAGGAAAGGTGTAGCTTTGCCACTGTTAATATACA-3'
Protein context (NP_001278232.1, residues 3259-3279): DFETKQSYHL[Thr3269Ser]VKAFNVPDEE

ClinVar aggregate classification (germline): Uncertain significance (1 of 4 stars; one submission).

Allele frequency attached by ClinVar (database versions not stated): gnomAD 0.00001; TOPMed 0.00001.
gnomAD v4.1: 4 of 1,614,034 alleles (0.00025%); highest among the groups gnomAD compares: African/African-American, 0.0053%; no homozygotes.

Submission:

Labcorp Genetics (formerly Invitae), Labcorp
Classification: Uncertain significance. Last evaluated: 2022-05-27. Review status: criteria provided, single submitter. Criteria: Invitae Variant Classification Sherloc (09022015). Collection method: clinical testing. Allele origin: germline.
Comment: This sequence change replaces threonine, which is neutral and polar, with serine, which is neutral and polar, at codon 3267 of the FAT4 protein (p.Thr3267Ser). This variant is present in population databases (no rsID available, gnomAD 0.007%). This variant has not been reported in the literature in individuals affected with FAT4-related conditions. Advanced modeling of protein sequence and biophysical properties (such as structural, functional, and spatial information, amino acid conservation, physicochemical variation, residue mobility, and thermodynamic stability) performed at Invitae indicates that this missense variant is not expected to disrupt FAT4 protein function. In summary, the available evidence is currently insufficient to determine the role of this variant in disease. Therefore, it has been classified as a Variant of Uncertain Significance.